The following is an entry in ClinVar:

ClinVar aggregate classification (germline): Uncertain significance (1 of 4 stars; one submission).

Conditions:
Rhabdoid tumor predisposition syndrome 2 (RTPS2). Identifiers: Orphanet 231108, Orphanet 69077, MedGen C2750074, MONDO:0013224, OMIM 613325.

Submission:

Labcorp Genetics (formerly Invitae), Labcorp
Classification: Uncertain significance for Rhabdoid tumor predisposition syndrome 2. Last evaluated: 2025-05-28. Review status: criteria provided, single submitter. Criteria: Invitae Variant Classification Sherloc (09022015). Collection method: clinical testing. Allele origin: germline.
Comment: This sequence change replaces proline, which is neutral and non-polar, with serine, which is neutral and polar, at codon 311 of the SMARCA4 protein (p.Pro311Ser). This variant is not present in population databases (gnomAD no frequency). This variant has not been reported in the literature in individuals affected with SMARCA4-related conditions. ClinVar contains an entry for this variant (Variation ID: 845030). Invitae Evidence Modeling of protein sequence and biophysical properties (such as structural, functional, and spatial information, amino acid conservation, physicochemical variation, residue mobility, and thermodynamic stability) indicates that this missense variant is not expected to disrupt SMARCA4 protein function with a negative predictive value of 95%. In summary, the available evidence is currently insufficient to determine the role of this variant in disease. Therefore, it has been classified as a Variant of Uncertain Significance.

NM_003072.5(SMARCA4):c.931C>T (p.Pro311Ser)

Gene: SMARCA4 (SWI/SNF related BAF chromatin remodeling complex subunit ATPase 4; plus strand). Cytogenetic location: 19p13.2.
Variant type: single nucleotide variant.
Coding change: c.931C>T on transcript NM_003072.5 (MANE Select); coding-DNA position 931, C replaced by T.
Protein change: p.Pro311Ser; replaces proline 311 with serine.
Molecular consequence: missense variant. On other transcripts: non-coding transcript variant (1).
Genome position (GRCh38, 1-based): chr19:10,987,737, C>T. VCF-style: chr19-10987737-C-T. GRCh37 (hg19) VCF-style: chr19-11098413-C-T.
Other names: c.931C>T, p.Pro311Ser (NM_001128844.3, NM_001128845.2, NM_001128846.2 and 4 more transcripts); short protein forms P311S.
Identifiers: ClinVar variation 845030 (VCV000845030.9), dbSNP rs1323531288, ClinGen allele CA404058480.